The following is an entry in ClinVar:

NM_001378454.1(ALMS1):c.11115G>T (p.Arg3705Ser)

Gene: ALMS1 (ALMS1 centrosome and basal body associated protein; plus strand). Cytogenetic location: 2p13.1.
Variant type: single nucleotide variant.
Coding change: c.11115G>T on transcript NM_001378454.1 (MANE Select); coding-DNA position 11115, G replaced by T.
Protein change: p.Arg3705Ser; replaces arginine 3705 with serine.
Molecular consequence: missense variant.
Genome position (GRCh38, 1-based): chr2:73,572,992, G>T. VCF-style: chr2-73572992-G-T. GRCh37 (hg19) VCF-style: chr2-73800119-G-T.
Other names: c.11118G>T, p.Arg3706Ser (NM_015120.4); short protein forms R3705S, R3706S.
Identifiers: ClinVar variation 1417793 (VCV001417793.6), dbSNP rs2104106559, ClinGen allele CA347287380.

ClinVar aggregate classification (germline): Uncertain significance (1 of 4 stars; one submission).

Conditions:
Alstrom syndrome (ALMS). Identifiers: Orphanet 64, MedGen C0268425, MONDO:0008763, OMIM 203800.

Allele frequency attached by ClinVar (database versions not stated): gnomAD exomes below 0.00001.
gnomAD v4.1: 2 of 1,614,042 alleles (0.00012%); highest among the groups gnomAD compares: Admixed American, 0.0033%; no homozygotes.

Submission:

Labcorp Genetics (formerly Invitae), Labcorp
Classification: Uncertain significance for Alstrom syndrome. Last evaluated: 2025-03-17. Review status: criteria provided, single submitter. Criteria: Invitae Variant Classification Sherloc (09022015). Collection method: clinical testing. Allele origin: germline.
Comment: This sequence change replaces arginine, which is basic and polar, with serine, which is neutral and polar, at codon 3706 of the ALMS1 protein (p.Arg3706Ser). This variant is not present in population databases (gnomAD no frequency). This variant has not been reported in the literature in individuals affected with ALMS1-related conditions. ClinVar contains an entry for this variant (Variation ID: 1417793). Experimental studies and prediction algorithms are not available or were not evaluated, and the functional significance of this variant is currently unknown. In summary, the available evidence is currently insufficient to determine the role of this variant in disease. Therefore, it has been classified as a Variant of Uncertain Significance.